The following is an entry in ClinVar:

NM_016333.4(SRRM2):c.80G>C (p.Arg27Pro)

Gene: SRRM2 (serine/arginine repetitive matrix 2; plus strand). Cytogenetic location: 16p13.3.
Variant type: single nucleotide variant.
Coding change: c.80G>C on transcript NM_016333.4 (MANE Select); coding-DNA position 80, G replaced by C.
Protein change: p.Arg27Pro; replaces arginine 27 with proline.
Molecular consequence: missense variant.
Genome position (GRCh38, 1-based): chr16:2,756,444, G>C. VCF-style: chr16-2756444-G-C. GRCh37 (hg19) VCF-style: chr16-2806445-G-C.
Other names: short protein forms R27P.
Identifiers: ClinVar variation 3364247 (VCV003364247.1).
Genomic context (GRCh38, chr16:2,756,444, plus strand): 5'-TGCCGACGCCCCGGGGCAGCGGCACCAACGGCTACGTCCAGCGCAACCTGTCCCTGGTGC[G>C]GGGCCGCCGGGGTGAGCGGCCTGACTACAAGGGAGAGGAGGAACTGCGGCGCCTGGAGGC-3'
Protein context (NP_057417.3, residues 17-37): GYVQRNLSLV[Arg27Pro]GRRGERPDYK

ClinVar aggregate classification (germline): Uncertain significance (1 of 4 stars; one submission).

Submission:

GeneDx
Classification: Uncertain significance. Last evaluated: 2023-11-11. Review status: criteria provided, single submitter. Criteria: GeneDx Variant Classification Process June 2021. Collection method: clinical testing. Allele origin: germline. Affected: yes.
Comment: Not observed at significant frequency in large population cohorts (gnomAD); In silico analysis supports that this missense variant has a deleterious effect on protein structure/function; Has not been previously published as pathogenic or benign to our knowledge